The following is an entry in ClinVar:

ClinVar aggregate classification (germline): Likely benign. Review status: criteria provided, multiple submitters, no conflicts (2 of 4 stars). 2 submissions from 2 submitters: Likely benign (2). Last evaluated 2025-10-17.

Conditions:
Singleton-Merten syndrome 1 (SGMRT1). Also called: Widened medullary cavities of bone, aortic calcification, abnormal dentition, and muscular weakness; Syndrome of widened medullary cavities of the metacarpals and phalanges, aortic calcification and abnormal dentition. Identifiers: Orphanet 85191, MedGen C4225427, MONDO:0024535, OMIM 182250.
Aicardi-Goutieres syndrome 7 (AGS7). Identifiers: Orphanet 51, MedGen C3888244, MONDO:0014367, OMIM 615846.

Allele frequency attached by ClinVar (database versions not stated): gnomAD 0.00001.
gnomAD v4.1: 7 of 1,345,490 alleles (0.00052%); highest among the groups gnomAD compares: Admixed American, 0.012%; no homozygotes.

Submissions (2):

Labcorp Genetics (formerly Invitae), Labcorp
Classification: Likely benign for Aicardi-Goutieres syndrome 7; Singleton-Merten syndrome 1. Last evaluated: 2025-10-17. Review status: criteria provided, single submitter. Criteria: Invitae Variant Classification Sherloc (09022015). Collection method: clinical testing. Allele origin: germline.

Women's Health and Genetics/Laboratory Corporation of America, LabCorp
Classification: Likely benign. Last evaluated: 2025-01-09. Review status: criteria provided, single submitter. Criteria: LabCorp Variant Classification Summary - May 2015. Collection method: clinical testing. Allele origin: germline.
Comment: Variant summary: IFIH1 c.1525-11C>A alters a conserved nucleotide located at a position not widely known to affect splicing. Consensus agreement among computation tools predict no significant impact on normal splicing (TrAP). However, these predictions have yet to be confirmed by functional studies. The variant allele was found at a frequency of 1.7e-05 in 237846 control chromosomes. The available data on variant occurrences in the general population are insufficient to allow any conclusion about variant significance. To our knowledge, no occurrence of c.1525-11C>A in individuals affected with Aicardi-Goutieres syndrome 7 and no experimental evidence demonstrating its impact on protein function have been reported. ClinVar contains an entry for this variant (Variation ID: 2026599). Based on the evidence outlined above, the variant was classified as likely benign.

NM_022168.4(IFIH1):c.1525-11C>A

Gene: IFIH1 (interferon induced with helicase C domain 1; minus strand). Cytogenetic location: 2q24.2.
Variant type: single nucleotide variant.
Coding change: c.1525-11C>A on transcript NM_022168.4 (MANE Select); 11 bases into the intron before coding-DNA position 1525, C replaced by A.
Molecular consequence: intron variant.
Genome position (GRCh38, 1-based): chr2:162,280,123, G>T on the plus strand (C>A on the coding strand, the complement: IFIH1 is on the minus strand). VCF-style: chr2-162280123-G-T. GRCh37 (hg19) VCF-style: chr2-163136633-G-T.
Identifiers: ClinVar variation 2026599 (VCV002026599.8), dbSNP rs990937820, ClinGen allele CA59663596.
Genomic context (GRCh38, chr2:162,280,123, plus strand): 5'-AGGTTTTCTTTAACAGTTTTAATAGTAAATGCATCAAGATTGGCACATAGCTGGAAAAGA[G>T]ACATTTTTCAATATTTATGCAATTATTTTTCCCTTTCACTTTATTCAACGTAGAACTCTT-3'